The following is an entry in ClinVar:

NM_000260.4(MYO7A):c.6527G>A (p.Arg2176His)

Gene: MYO7A (myosin VIIA; plus strand). Cytogenetic location: 11q13.5.
Variant type: single nucleotide variant.
Coding change: c.6527G>A on transcript NM_000260.4 (MANE Select); coding-DNA position 6527, G replaced by A.
Protein change: p.Arg2176His; replaces arginine 2176 with histidine.
Molecular consequence: missense variant.
Genome position (GRCh38, 1-based): chr11:77,213,948, G>A. VCF-style: chr11-77213948-G-A. GRCh37 (hg19) VCF-style: chr11-76924993-G-A.
Other names: c.6407G>A, p.Arg2136His (NM_001127180.2); c.6380G>A, p.Arg2127His (NM_001369365.1); short protein forms R2176H, R2136H, R2127H.
Identifiers: ClinVar variation 959330 (VCV000959330.8), dbSNP rs761867896, ClinGen allele CA6199102.

ClinVar aggregate classification (germline): Uncertain significance. Review status: criteria provided, multiple submitters, no conflicts (2 of 4 stars). 5 submissions from 5 submitters: Uncertain significance (4). 1 of the submissions does not count toward it. Last evaluated 2025-11-19.

Conditions:
Autosomal recessive nonsyndromic hearing loss 2. Also called: NEUROSENSORY NONSYNDROMIC RECESSIVE DEAFNESS 2; DEAFNESS, AUTOSOMAL RECESSIVE 2. Identifiers: Orphanet 90636, MedGen C1838701, MONDO:0010807, OMIM 600060.
Usher syndrome type 1 (USH1). Also called: RETINITIS PIGMENTOSA AND CONGENITAL DEAFNESS. Identifiers: Orphanet 231169, Orphanet 886, MedGen C1568247, MONDO:0010168, OMIM 276900.
Autosomal dominant nonsyndromic hearing loss 11. Identifiers: Orphanet 90635, MedGen C1832475, MONDO:0011032, OMIM 601317.
Usher syndrome type 1B (USH1B). Also called: Usher syndrome type IB. Identifiers: MedGen C1848638, MONDO:0700087.

Allele frequency attached by ClinVar (database versions not stated): ExAC 0.00002; gnomAD exomes 0.00002 and 0.00003; TOPMed 0.00004; gnomAD 0.00005 and 0.00006.
gnomAD v4.1: 36 of 1,613,942 alleles (0.0022%); highest among the groups gnomAD compares: East Asian, 0.011%; no homozygotes.

Submissions (5):

Labcorp Genetics (formerly Invitae), Labcorp
Classification: Uncertain significance. Last evaluated: 2025-11-19. Review status: criteria provided, single submitter. Criteria: Invitae Variant Classification Sherloc (09022015). Collection method: clinical testing. Allele origin: germline.
Comment: This sequence change replaces arginine, which is basic and polar, with histidine, which is basic and polar, at codon 2176 of the MYO7A protein (p.Arg2176His). This variant is present in population databases (rs761867896, gnomAD 0.02%). This variant has not been reported in the literature in individuals affected with MYO7A-related conditions. ClinVar contains an entry for this variant (Variation ID: 959330). Invitae Evidence Modeling of protein sequence and biophysical properties (such as structural, functional, and spatial information, amino acid conservation, physicochemical variation, residue mobility, and thermodynamic stability) indicates that this missense variant is not expected to disrupt MYO7A protein function with a negative predictive value of 95%. In summary, the available evidence is currently insufficient to determine the role of this variant in disease. Therefore, it has been classified as a Variant of Uncertain Significance.

Women's Health and Genetics/Laboratory Corporation of America, LabCorp
Classification: Uncertain significance. Last evaluated: 2024-10-21. Review status: criteria provided, single submitter. Criteria: LabCorp Variant Classification Summary - May 2015. Collection method: clinical testing. Allele origin: germline.
Comment: Variant summary: MYO7A c.6527G>A (p.Arg2176His) results in a non-conservative amino acid change located in the FERM domain (IPR000299) of the encoded protein sequence. Five of five in-silico tools predict a damaging effect of the variant on protein function. The variant allele was found at a frequency of 3.2e-05 in 249226 control chromosomes. The available data on variant occurrences in the general population are insufficient to allow any conclusion about variant significance. To our knowledge, no occurrence of c.6527G>A in individuals affected with Usher Syndrome and no experimental evidence demonstrating its impact on protein function have been reported. ClinVar contains an entry for this variant (Variation ID: 959330). Based on the evidence outlined above, the variant was classified as uncertain significance.

Blueprint Genetics
Classification: Uncertain significance. Last evaluated: 2024-09-12. Review status: criteria provided, single submitter. Criteria: ACMG Guidelines, 2015. Collection method: clinical testing. Allele origin: germline.

Fulgent Genetics
Classification: Uncertain significance for Usher syndrome type 1; Autosomal recessive nonsyndromic hearing loss 2; Autosomal dominant nonsyndromic hearing loss 11. Last evaluated: 2021-12-15. Review status: criteria provided, single submitter. Criteria: ACMG Guidelines, 2015. Collection method: clinical testing. Allele origin: unknown.

Natera, Inc.
Classification: Uncertain significance for Usher syndrome type 1B. Last evaluated: 2020-09-15. Review status: no assertion criteria provided. Collection method: clinical testing. Allele origin: germline. Not counted in ClinVar's aggregate classification.